The following is an entry in ClinVar:

NM_000059.4(BRCA2):c.2929T>C (p.Leu977=)

Gene: BRCA2 (BRCA2 DNA repair associated; plus strand). Cytogenetic location: 13q13.1.
Variant type: single nucleotide variant.
Coding change: c.2929T>C on transcript NM_000059.4 (MANE Select); coding-DNA position 2929, T replaced by C.
Protein change: p.Leu977=; no amino-acid change (leucine 977 retained).
Molecular consequence: synonymous variant.
Genome position (GRCh38, 1-based): chr13:32,337,284, T>C. VCF-style: chr13-32337284-T-C. GRCh37 (hg19) VCF-style: chr13-32911421-T-C.
Identifiers: ClinVar variation 233605 (VCV000233605.16), dbSNP rs876660517, ClinGen allele CA10579555.

ClinVar aggregate classification (germline): Likely benign. Review status: reviewed by expert panel (3 of 4 stars). 3 submissions from 3 submitters: Likely benign (1). 2 of the submissions do not count toward it. Last evaluated 2017-06-29.

Conditions:
Hereditary cancer-predisposing syndrome. Also called: Tumor predisposition; Hereditary Cancer Syndrome; Hereditary neoplastic syndrome; Neoplastic Syndromes, Hereditary. Identifiers: Orphanet 140162, MedGen C0027672, MeSH D009386, MONDO:0015356.
Hereditary breast ovarian cancer syndrome. Also called: Hereditary breast and ovarian cancer; Breast and ovarian cancer; BRCA1- and BRCA2-Associated Hereditary Breast and Ovarian Cancer; Hereditary breast and ovarian cancer syndrome; Hereditary breast and ovarian cancer syndrome (HBOC); Hereditary breast and/or ovarian cancer syndrome. Identifiers: Orphanet 145, MedGen C0677776, MeSH D061325, MONDO:0003582. Disease mechanism: loss of function.
Breast-ovarian cancer, familial, susceptibility to, 2 (BROVCA2). Also called: BRCA2 Hereditary Breast and Ovarian Cancer. Identifiers: Orphanet 145, MedGen C2675520, MONDO:0012933, OMIM 612555. Disease mechanism: loss of function.

Submissions (3):

Evidence-based Network for the Interpretation of Germline Mutant Alleles (ENIGMA)
Classification: Likely benign for Breast-ovarian cancer, familial, susceptibility to, 2. Last evaluated: 2017-06-29. Review status: reviewed by expert panel. Criteria: ENIGMA BRCA1/2 Classification Criteria (2017-06-29). Collection method: curation. Allele origin: germline.
Comment: Synonymous substitution variant, with low bioinformatic likelihood to result in a splicing aberration (Splicing prior probability 0.02).

Labcorp Genetics (formerly Invitae), Labcorp
Classification: Likely benign for Hereditary breast ovarian cancer syndrome. Last evaluated: 2023-08-17. Review status: criteria provided, single submitter. Criteria: Invitae Variant Classification Sherloc (09022015). Collection method: clinical testing. Allele origin: germline. Not counted in ClinVar's aggregate classification.

Ambry Genetics
Classification: Likely benign for Hereditary cancer-predisposing syndrome. Last evaluated: 2015-08-31. Review status: criteria provided, single submitter. Criteria: Ambry Variant Classification Scheme 2023. Collection method: clinical testing. Allele origin: germline. Not counted in ClinVar's aggregate classification.